The following is an entry in ClinVar:

ClinVar aggregate classification (germline): Uncertain significance (1 of 4 stars; one submission).

Submission:

Labcorp Genetics (formerly Invitae), Labcorp
Classification: Uncertain significance. Last evaluated: 2020-02-10. Review status: criteria provided, single submitter. Criteria: Invitae Variant Classification Sherloc (09022015). Collection method: clinical testing. Allele origin: germline.
Comment: This sequence change replaces glycine with glutamic acid at codon 1047 of the POLE protein (p.Gly1047Glu). The glycine residue is highly conserved and there is a moderate physicochemical difference between glycine and glutamic acid. This variant is not present in population databases (ExAC no frequency). This variant has not been reported in the literature in individuals with POLE-related disease. Algorithms developed to predict the effect of missense changes on protein structure and function are either unavailable or do not agree on the potential impact of this missense change (SIFT: "Tolerated"; PolyPhen-2: "Probably Damaging"; Align-GVGD: "Class C0"). In summary, the available evidence is currently insufficient to determine the role of this variant in disease. Therefore, it has been classified as a Variant of Uncertain Significance.

NM_006231.4(POLE):c.3140G>A (p.Gly1047Glu)

Gene: POLE (DNA polymerase epsilon, catalytic subunit; minus strand). Cytogenetic location: 12q24.33.
Variant type: single nucleotide variant.
Coding change: c.3140G>A on transcript NM_006231.4 (MANE Select); coding-DNA position 3140, G replaced by A.
Protein change: p.Gly1047Glu; replaces glycine 1047 with glutamic acid.
Molecular consequence: missense variant.
Genome position (GRCh38, 1-based): chr12:132,659,430, C>T on the plus strand (G>A on the coding strand, the complement: POLE is on the minus strand). VCF-style: chr12-132659430-C-T. GRCh37 (hg19) VCF-style: chr12-133236016-C-T.
Other names: short protein forms G1047E.
Identifiers: ClinVar variation 641080 (VCV000641080.8), dbSNP rs1593772586, ClinGen allele CA387391017.
Genomic context (GRCh38, chr12:132,659,430, plus strand): 5'-TGGTCTCCCAGGAACTCGGCCAGGCGCTTTGCTGTGCTGATGGACGTAGACTTCTGCTCC[C>T]CGTAATCTTCCAGCTTCCGAGACATGGAACGGTTCTCAGAGATGAGCTCGAATAGCTCAG-3'
Protein context (NP_006222.2, residues 1037-1057): RSMSRKLEDY[Gly1047Glu]EQKSTSISTA